The following is an entry in ClinVar:

ClinVar aggregate classification (germline): Benign (0 of 4 stars; one submission).

Conditions:
FDFT1-related disorder. Also called: FDFT1-related condition.

Allele frequency attached by ClinVar (database versions not stated): gnomAD exomes 0.00074; gnomAD 0.00097; TOPMed 0.00131; ExAC 0.00177; 1000 Genomes Project 30x 0.00328; 1000 Genomes Project 0.00399.
gnomAD v4.1: 1,233 of 1,613,328 alleles (0.076%); highest among the groups gnomAD compares: East Asian, 2.3%; 18 homozygotes.

Submission:

PreventionGenetics, part of Exact Sciences
Classification: Benign for FDFT1-related condition. Last evaluated: 2019-08-09. Review status: no assertion criteria provided. Collection method: clinical testing. Allele origin: germline.
Comment: This variant is classified as benign based on ACMG/AMP sequence variant interpretation guidelines (Richards et al. 2015 PMID: 25741868, with internal and published modifications).

NM_004462.5(FDFT1):c.1067C>G (p.Ser356Cys)

Gene: FDFT1 (farnesyl-diphosphate farnesyltransferase 1). Cytogenetic location: 8p23.1.
Variant type: single nucleotide variant.
Coding change: c.1067C>G on transcript NM_004462.5 (MANE Select); coding-DNA position 1067, C replaced by G.
Protein change: p.Ser356Cys; replaces serine 356 with cysteine.
Molecular consequence: missense variant.
Genome position (GRCh38, 1-based): chr8:11,838,422, C>G. VCF-style: chr8-11838422-C-G. GRCh37 (hg19) VCF-style: chr8-11695931-C-G.
Other names: c.1067C>G, p.Ser356Cys (NM_001287742.2, NM_001287743.2); c.875C>G, p.Ser292Cys (NM_001287744.2, NM_001287745.2, NM_001287747.2 and 2 more transcripts); c.1244C>G, p.Ser415Cys (NM_001287750.2); c.812C>G, p.Ser271Cys (NM_001287751.2); c.566C>G, p.Ser189Cys (NM_001287756.2); short protein forms S189C, S271C, S292C, S356C, S415C.
Identifiers: ClinVar variation 3043613 (VCV003043613.2), dbSNP rs79708434, ClinGen allele CA4632188.